The following is an entry in ClinVar:

NM_000038.6(APC):c.3935del (p.Gly1312fs)

Gene: APC (APC regulator of Wnt signaling pathway; plus strand). Cytogenetic location: 5q22.2.
Variant type: Deletion.
Coding change: c.3935del on transcript NM_000038.6 (MANE Select); coding-DNA position 3935, one base deleted (G; older notation c.3935delG).
Protein change: p.Gly1312fs; shifts the reading frame from glycine 1312.
Molecular consequence: frameshift variant.
Genome position (GRCh38, 1-based): chr5:112,839,529, G deleted; the last of 2 consecutive G bases (chr5:112,839,528-112,839,529); deleting either gives the same sequence. VCF-style (leftmost placement, unchanged base first): chr5-112839527-TG-T. GRCh37 (hg19) VCF-style: chr5-112175224-TG-T.
Other names: c.3935del, p.Gly1312fs (NM_001127510.3, NM_001354895.2); c.3881del, p.Gly1294fs (NM_001127511.3); c.3989del, p.Gly1330fs (NM_001354896.2); c.3965del, p.Gly1322fs (NM_001354897.2); c.3860del, p.Gly1287fs (NM_001354898.2); c.3851del, p.Gly1284fs (NM_001354899.2); c.3812del, p.Gly1271fs (NM_001354900.2); c.3758del, p.Gly1253fs (NM_001354901.2); and 5 more; short protein forms G1186fs, G1253fs, G1322fs, G1294fs, G1029fs, G1152fs, G1211fs, G1284fs.
Identifiers: ClinVar variation 661934 (VCV000661934.11), dbSNP rs1580641874, ClinGen allele CA445963907.

ClinVar aggregate classification (germline): Pathogenic. Review status: criteria provided, multiple submitters, no conflicts (2 of 4 stars). 2 submissions from 2 submitters: Pathogenic (2). Last evaluated 2025-11-27.

Conditions:
Familial adenomatous polyposis 1 (FAP1). Also called: FAMILIAL ADENOMATOUS POLYPOSIS 1, ATTENUATED; POLYPOSIS, ADENOMATOUS INTESTINAL. Identifiers: MedGen C2713442, MONDO:0021056, OMIM 175100. Disease mechanism: loss of function.

Submissions (2):

Labcorp Genetics (formerly Invitae), Labcorp
Classification: Pathogenic for Familial adenomatous polyposis 1. Last evaluated: 2025-11-27. Review status: criteria provided, single submitter. Criteria: Invitae Variant Classification Sherloc (09022015). Collection method: clinical testing. Allele origin: germline.
Comment: This sequence change creates a premature translational stop signal (p.Gly1312Glufs*9) in the APC gene. While this is not anticipated to result in nonsense mediated decay, it is expected to disrupt the last 1532 amino acid(s) of the APC protein. This variant is not present in population databases (gnomAD no frequency). This variant has not been reported in the literature in individuals affected with APC-related conditions. ClinVar contains an entry for this variant (Variation ID: 661934). This variant is expected to disrupt the EB1 and HDLG binding sites, which mediate interactions with the cytoskeleton (PMID: 15311282, 17293347). While functional studies have not been performed to directly test the effect on APC protein function, this suggests that disruption of the C-terminal portion of the protein is functionally important. A different truncation (p.Tyr2645Lysfs*14) that lies downstream of this variant has been determined to be pathogenic (PMID: 9824584, 1316610, 27081525, 8381579, 22135120, internal data). This suggests that deletion of this region of the APC protein is causative of disease. For these reasons, this variant has been classified as Pathogenic.

Myriad Genetics, Inc.
Classification: Pathogenic for Familial adenomatous polyposis 1. Last evaluated: 2023-05-09. Review status: criteria provided, single submitter. Criteria: Myriad Autosomal Dominant, Autosomal Recessive and X-Linked Classification Criteria (2023). Collection method: clinical testing. Allele origin: unknown.
Comment: This variant is considered pathogenic. This variant creates a frameshift predicted to result in premature protein truncation.

Literature cited by the submitters: PubMed 15311282 (cited by Labcorp Genetics (formerly Invitae), Labcorp); PubMed 17293347 (cited by Labcorp Genetics (formerly Invitae), Labcorp); PubMed 9824584 (cited by Labcorp Genetics (formerly Invitae), Labcorp); PubMed 1316610 (cited by Labcorp Genetics (formerly Invitae), Labcorp); PubMed 27081525 (cited by Labcorp Genetics (formerly Invitae), Labcorp); PubMed 8381579 (cited by Labcorp Genetics (formerly Invitae), Labcorp); PubMed 22135120 (cited by Labcorp Genetics (formerly Invitae), Labcorp).